The following is an entry in ClinVar:

ClinVar aggregate classification (germline): Uncertain significance (1 of 4 stars; one submission).

Allele frequency attached by ClinVar (database versions not stated): gnomAD exomes below 0.00001; TOPMed below 0.00001; ExAC 0.00001; gnomAD 0.00001; 1000 Genomes Project 0.00020; 1000 Genomes Project 30x 0.00031.
gnomAD v4.1: 7 of 1,611,892 alleles (0.00043%); highest among the groups gnomAD compares: South Asian, 0.0022%; no homozygotes.

Submission:

Labcorp Genetics (formerly Invitae), Labcorp
Classification: Uncertain significance. Last evaluated: 2023-05-31. Review status: criteria provided, single submitter. Criteria: Invitae Variant Classification Sherloc (09022015). Collection method: clinical testing. Allele origin: germline.
Comment: An algorithm developed to predict the effect of missense changes on protein structure and function (PolyPhen-2) suggests that this variant is likely to be tolerated. In summary, the available evidence is currently insufficient to determine the role of this variant in disease. Therefore, it has been classified as a Variant of Uncertain Significance. This variant has not been reported in the literature in individuals affected with SIN3A-related conditions. This variant is present in population databases (rs535980552, gnomAD 0.007%). This sequence change replaces arginine, which is basic and polar, with cysteine, which is neutral and slightly polar, at codon 1097 of the SIN3A protein (p.Arg1097Cys).

NM_001145358.2(SIN3A):c.3289C>T (p.Arg1097Cys)

Gene: SIN3A (SIN3 transcription regulator family member A; minus strand). Cytogenetic location: 15q24.2.
Variant type: single nucleotide variant.
Coding change: c.3289C>T on transcript NM_001145358.2 (MANE Select); coding-DNA position 3289, C replaced by T.
Protein change: p.Arg1097Cys; replaces arginine 1097 with cysteine.
Molecular consequence: missense variant.
Genome position (GRCh38, 1-based): chr15:75,380,723, G>A on the plus strand (C>T on the coding strand, the complement: SIN3A is on the minus strand). VCF-style: chr15-75380723-G-A. GRCh37 (hg19) VCF-style: chr15-75673064-G-A.
Other names: c.3289C>T, p.Arg1097Cys (NM_001145357.2, NM_015477.3); short protein forms R1097C.
Identifiers: ClinVar variation 2784062 (VCV002784062.3), dbSNP rs535980552, ClinGen allele CA7667280.
Genomic context (GRCh38, chr15:75,380,723, plus strand): 5'-CACGAAGCTCAGGCGAGGTAGTATCTGAATTCATGTATCGCTCCACGTAGTCTGACCAGC[G>A]CTAAGATGGCAAACACAAAATACAGGTGGAAGGAAATCACAAAAACAGCTCCTAATGCAT-3'
Protein context (NP_001138830.1, residues 1087-1107): ENSDDPVEAE[Arg1097Cys]WSDYVERYMN